The following is an entry in ClinVar:

ClinVar aggregate classification (germline): Likely benign (0 of 4 stars; one submission).

Conditions:
POMC-related disorder. Also called: POMC-related disorders; POMC-related condition.

Submission:

PreventionGenetics, part of Exact Sciences
Classification: Likely benign for POMC-related condition. Last evaluated: 2021-08-20. Review status: no assertion criteria provided. Collection method: clinical testing. Allele origin: germline.
Comment: This variant is classified as likely benign based on ACMG/AMP sequence variant interpretation guidelines (Richards et al. 2015 PMID: 25741868, with internal and published modifications).

NM_000939.4(POMC):c.318C>T (p.Asp106=)

Gene: POMC (proopiomelanocortin; minus strand). Cytogenetic location: 2p23.3.
Variant type: single nucleotide variant.
Coding change: c.318C>T on transcript NM_000939.4 (MANE Select); coding-DNA position 318, C replaced by T.
Protein change: p.Asp106=; no amino-acid change (aspartic acid 106 retained).
Molecular consequence: synonymous variant.
Genome position (GRCh38, 1-based): chr2:25,161,567, G>A on the plus strand (C>T on the coding strand, the complement: POMC is on the minus strand). VCF-style: chr2-25161567-G-A. GRCh37 (hg19) VCF-style: chr2-25384436-G-A.
Other names: c.318C>T, p.Asp106= (NM_001035256.3, NM_001319204.2, NM_001319205.2).
Identifiers: ClinVar variation 3357082 (VCV003357082.1).